The following is an entry in ClinVar:

ClinVar aggregate classification (germline): Uncertain significance (1 of 4 stars; one submission).

Conditions:
Primary ciliary dyskinesia. Also called: Ciliary dyskinesia. Identifiers: Orphanet 244, MedGen C0008780, MONDO:0016575, HP:0012265.

Allele frequency attached by ClinVar (database versions not stated): gnomAD exomes 0.00001 and 0.00002; TOPMed 0.00003; gnomAD 0.00004.
gnomAD v4.1: 12 of 1,613,898 alleles (0.00074%); highest among the groups gnomAD compares: Admixed American, 0.02%; no homozygotes.

Submission:

Labcorp Genetics (formerly Invitae), Labcorp
Classification: Uncertain significance for Primary ciliary dyskinesia. Last evaluated: 2023-08-24. Review status: criteria provided, single submitter. Criteria: Invitae Variant Classification Sherloc (09022015). Collection method: clinical testing. Allele origin: germline.
Comment: In summary, the available evidence is currently insufficient to determine the role of this variant in disease. Therefore, it has been classified as a Variant of Uncertain Significance. Advanced modeling of protein sequence and biophysical properties (such as structural, functional, and spatial information, amino acid conservation, physicochemical variation, residue mobility, and thermodynamic stability) has been performed at Invitae for this missense variant, however the output from this modeling did not meet the statistical confidence thresholds required to predict the impact of this variant on DNAH5 protein function. This sequence change replaces aspartic acid, which is acidic and polar, with tyrosine, which is neutral and polar, at codon 1960 of the DNAH5 protein (p.Asp1960Tyr). This variant is present in population databases (no rsID available, gnomAD 0.02%). ClinVar contains an entry for this variant (Variation ID: 1505828). This variant has not been reported in the literature in individuals affected with DNAH5-related conditions.

NM_001369.3(DNAH5):c.5878G>T (p.Asp1960Tyr)

Gene: DNAH5 (dynein axonemal heavy chain 5; minus strand). Cytogenetic location: 5p15.2.
Variant type: single nucleotide variant.
Coding change: c.5878G>T on transcript NM_001369.3 (MANE Select); coding-DNA position 5878, G replaced by T.
Protein change: p.Asp1960Tyr; replaces aspartic acid 1960 with tyrosine.
Molecular consequence: missense variant.
Genome position (GRCh38, 1-based): chr5:13,839,360, C>A on the plus strand (G>T on the coding strand, the complement: DNAH5 is on the minus strand). VCF-style: chr5-13839360-C-A. GRCh37 (hg19) VCF-style: chr5-13839469-C-A.
Other names: short protein forms D1960Y.
Identifiers: ClinVar variation 1505828 (VCV001505828.8), dbSNP rs1298235452, ClinGen allele CA359205890.